The following is an entry in ClinVar:

NM_000474.4(TWIST1):c.262GGC[4] (p.Gly92del)

Gene: TWIST1 (twist family bHLH transcription factor 1; minus strand). Cytogenetic location: 7p21.1.
Variant type: Microsatellite.
Coding change: c.262GGC[4] on transcript NM_000474.4 (MANE Select); four copies in a row of the 3-base unit GGC starting at c.262; the reference has five copies in a row; one copy, 3 bases deleted.
Protein change: p.Gly92del; deletes glycine 92.
Molecular consequence: non-coding transcript variant (on NR_149001.2).
Genome position (GRCh38, 1-based): chr7:19,117,046-19,117,048, GCC deleted on the plus strand (GGC on the coding strand, the reverse complement: TWIST1 is on the minus strand); deleting any 3 consecutive bases within chr7:19,117,046-19,117,060 gives the same sequence; the position shown is the placement nearest the transcript's 3' end. VCF-style (leftmost placement, unchanged base first): chr7-19117045-TGCC-T. GRCh37 (hg19) VCF-style: chr7-19156668-TGCC-T.
Other names: short protein forms G92del.
Identifiers: ClinVar variation 3056088 (VCV003056088.2), dbSNP rs750238627, ClinGen allele CA4174526.

ClinVar aggregate classification (germline): Likely benign (0 of 4 stars; one submission).

Conditions:
TWIST1-related disorder.

Submission:

PreventionGenetics, part of Exact Sciences
Classification: Likely benign for TWIST1-related condition. Last evaluated: 2020-07-15. Review status: no assertion criteria provided. Collection method: clinical testing. Allele origin: germline.
Comment: This variant is classified as likely benign based on ACMG/AMP sequence variant interpretation guidelines (Richards et al. 2015 PMID: 25741868, with internal and published modifications).